The following is an entry in ClinVar:

ClinVar aggregate classification (germline): Pathogenic. Review status: reviewed by expert panel (3 of 4 stars). 6 submissions from 6 submitters: Pathogenic (1). 5 of the submissions do not count toward it. Last evaluated 2024-05-09.

Conditions:
F8-related disorder. Also called: F8-related condition.
Hereditary factor VIII deficiency disease (HEMA). Also called: HEMOPHILIA, CLASSIC; Hemophilia A, congenital; HEM A; Factor 8 deficiency, congenital; Hemophilia A; AUTOSOMAL HEMOPHILIA A. Identifiers: Orphanet 98878, MedGen C0019069, MONDO:0010602, OMIM 306700.

Allele frequency attached by ClinVar (database versions not stated): gnomAD exomes below 0.00001; TOPMed 0.00002.
gnomAD v4.1: 1 of 1,211,555 alleles (0.000083%); highest among the groups gnomAD compares: Non-Finnish European, 0.00011%; no homozygotes.

Submissions (6):

ClinGen Coagulation Factor Deficiency Variant Curation Expert Panel, Clingen
Classification: Pathogenic for Hereditary factor VIII deficiency disease. Last evaluated: 2024-05-09. Review status: reviewed by expert panel. Criteria: ClinGen CoagFactor ACMG Specifications F8 V1.0.0. Collection method: curation. Allele origin: germline. Inheritance: X-linked inheritance.
Comment: The c.923C>T (NM_000132.3) variant in F8 is a missense variant predicted to cause substitution of Serine by Leucine at amino acid 308 (p.Ser308Leu). This variant is absent from gnomAD v2.1.1 and v3.1.2 (PM2_Supporting). This variant has been reported in at least 21 probands meeting the hemophilia A phenotype criteria specified by the Coagulation Factor Deficiency VCEP. Several probands are reported with mild hemophilia A (>4) and VWD 2N exclusion was reported in at least 2 probands (PS4_VeryStrong; PMID: 10338101, 8759905, 19448530, 8449505, 18691168, 15921397, 19719828, 16972227, 18371166, 28674365, 30046696, 31026269, 21645180, 24845853, 22958177, 17445092). The variant has been reported to segregate with mild hemophilia A in 2 affected siblings from 1 family (PP1; PMID: 19448530). This variant is absent from gnomAD v2.1.1 and v3.1.2 (PM2_Supporting). The computational predictor REVEL gives a score of 0.800, which is above the threshold of 0.6, evidence that correlates with impact to F8 function (PP3). This variant has also been associated with discrepant factor VIII activity levels, with lower chromogenic factor VIII lab values (PMID: 32232366). In summary, this variant meets the criteria to be classified as pathogenic for X-linked recessive hemophilia A based on the ACMG/AMP criteria applied, as specified by the ClinGen Coagulation Factor Deficiency VCEP: PS4_VeryStrong, PS2, PP1, PP3, PM2_Supporting. (ClinGen Coagulation Factor Deficiency Expert Panel Specifications to the ACMG/AMP Variant Interpretation Guidelines for F8 Version 1.0.0., Released 10/5/2023).

Women's Health and Genetics/Laboratory Corporation of America, LabCorp
Classification: Pathogenic for Hereditary factor VIII deficiency disease. Last evaluated: 2026-04-27. Review status: criteria provided, single submitter. Criteria: LabCorp Variant Classification Summary - May 2015. Collection method: clinical testing. Allele origin: germline. Not counted in ClinVar's aggregate classification.
Comment: Variant summary: F8 c.923C>T (p.Ser308Leu) results in a non-conservative amino acid change in the encoded protein sequence. Algorithms developed to predict the effect of missense changes on protein structure and function all suggest that this variant is likely to be disruptive. The frequency data for this variant in gnomAD is considered unreliable, as metrics indicate poor data quality at this position. c.923C>T has been observed in multiple individuals affected with Factor VIII Deficiency (Hemophilia A). These data indicate that the variant is very likely to be associated with disease. At least one publication reports experimental evidence evaluating an impact on protein function. The most pronounced variant effect results in 10%-<30% of normal activity. The following publications have been ascertained in the context of this evaluation (PMID: 11157485, 23926300). ClinVar contains an entry for this variant (Variation ID: 10195). Based on the evidence outlined above, the variant was classified as pathogenic.

Myriad Genetics, Inc.
Classification: Pathogenic for Hereditary factor VIII deficiency disease. Last evaluated: 2026-03-17. Review status: criteria provided, single submitter. Criteria: Myriad Autosomal Dominant, Autosomal Recessive and X-Linked Classification Criteria (2023). Collection method: clinical testing. Allele origin: unknown. Not counted in ClinVar's aggregate classification.
Comment: NM_000132.3(F8):c.923C>T(S308L) is a missense variant classified as pathogenic in the context of hemophilia A. S308L has been observed in cases with relevant disease (PMID: 19448530, 15921397, 19719828, 16972227, 17445092, 22958177). Relevant functional assessments of this variant are not available in the literature. S308L has not been observed in referenced population frequency databases. In summary, NM_000132.3(F8):c.923C>T(S308L) is a missense variant that has been observed more frequently in cases with the relevant disease than in healthy populations. Please note: this variant was assessed in the context of healthy population screening.

ARUP Laboratories, Molecular Genetics and Genomics, ARUP Laboratories
Classification: Pathogenic. Last evaluated: 2024-04-29. Review status: criteria provided, single submitter. Criteria: ARUP Molecular Germline Variant Investigation Process 2024. Collection method: clinical testing. Allele origin: germline. Not counted in ClinVar's aggregate classification.
Comment: The F8 c.923C>T, p.Ser308Leu variant (rs137852404), also known as Ser298Leu, is reported in multiple patients diagnosed with mild hemophilia A (Abu-Amero 2008, Bogdanova 2007, Castaman 2009, Fernandez-Lopez 2005, Represse 2007, Rudzki 1996, Strmecki 1999, Factor VIII variant database). Functional studies indicate that the variant is located near the heterotrimer contact surface (Markoff 2009), and increases the rate of dissociation after thrombin activation (Pipe 2001). This variant is also absent from the Genome Aggregation Database, indicating it is not a common polymorphism. The serine at residue 308 is highly conserved, and computational analyses predict that the variant is deleterious (REVEL: 0.80). Based on the above information, the variant is considered to be pathogenic. References: Factor VIII variant database: Abu-Amero K et al. Spectrum of factor VIII mutations in Arab patients with severe haemophilia A. Haemophilia. 2008; 14(3):484-8. PMID: 18371166. Bogadnova N et al. Spectrum of molecular defects and mutation detection rate in patients with mild and moderate hemophilia A. Hum Mutat. 2007; 28(1):54-60. PMID: 16972227. Castaman G et al. Molecular and phenotypic determinants of the response to desmopressin in adult patients with mild hemophilia A. J Thromb Haemost. 2009; 7(11):1824-31. PMID: 19719828. Fernandez-Lopez O et al. The spectrum of mutations in Southern Spanish patients with hemophilia A and identification of 28 novel mutations. Haematologica. 2005; 90(5):707-10. PMID: 15921397. Markoff A et al. Combined homology modelling and evolutionary significance evaluation of missense mutations in blood clotting factor VIII to highlight aspects of structure and function. Haemophilia. 2009; 15(4):932-41. PMID: 19473423. Pipe S et al. Hemophilia A mutations associated with 1-stage/2-stage activity discrepancy disrupt protein-protein interactions within the triplicated A domains of thrombin-activated factor VIIIa. Blood. 2001; 97(3):685-91. PMID: 11157485. Repesse Y et al. Factor VIII (FVIII) gene mutations in 120 patients with hemophilia A: detection of 26 novel mutations and correlation with FVIII inhibitor development. J Thromb Haemost. 2007; 5(7):1469-76. PMID: 17445092. Rudzki Z et al. Mutations in a subgroup of patients with mild haemophilia A and a familial discrepancy between the one-stage and two-stage factor VIII:C methods. Br J Haematol. 1996; 94(2):400-6. PMID: 8759905. Strmecki L et al. Screen of 55 Slovenian haemophilia A patients: identification of 2 novel mutations (S-1R and IVS23+1G-->A) and discussion of mutation spectrum. Hum Mutat. 1999; 13(5):413. PMID: 10338101.

PreventionGenetics, part of Exact Sciences
Classification: Pathogenic for F8-related condition. Last evaluated: 2022-12-01. Review status: criteria provided, single submitter. Criteria: ACMG Guidelines, 2015. Collection method: clinical testing. Allele origin: germline. Not counted in ClinVar's aggregate classification.
Comment: The F8 c.923C>T variant is predicted to result in the amino acid substitution p.Ser308Leu. This variant is also described using legacy nomenclature as p.Ser289Leu, has been reported in multiple individuals with Hemophilia A (McGinniss et al. 1993. PubMed ID: 8449505; Bogdanova et al. 2007. PubMed ID: 16972227. Table S1; Castaman et al. 2009. PubMed ID: 19719828; Saito et al. 2017. PubMed ID: 28674365; F8 database). This variant has not been reported in a large population database, indicating this variant is rare. This variant is interpreted as pathogenic.

OMIM
Classification: Pathogenic for HEMOPHILIA A. Last evaluated: 1993-02-01. Review status: no assertion criteria provided. Collection method: literature only. Allele origin: germline. Not counted in ClinVar's aggregate classification.

Literature cited by the submitters: PubMed 23926300 (cited by Women's Health and Genetics/Laboratory Corporation of America, LabCorp); PubMed 11157485 (cited by Women's Health and Genetics/Laboratory Corporation of America, LabCorp); PubMed 15921397 (cited by Myriad Genetics, Inc.); PubMed 16972227 (cited by Myriad Genetics, Inc.); PubMed 17445092 (cited by Myriad Genetics, Inc.); PubMed 19448530 (cited by Myriad Genetics, Inc.); PubMed 19719828 (cited by Myriad Genetics, Inc.); PubMed 22958177 (cited by Myriad Genetics, Inc.); PubMed 8449505 (cited by OMIM).

NM_000132.4(F8):c.923C>T (p.Ser308Leu)

Gene: F8 (coagulation factor VIII; minus strand). Cytogenetic location: Xq28.
Variant type: single nucleotide variant.
Coding change: c.923C>T on transcript NM_000132.4 (MANE Select); coding-DNA position 923, C replaced by T.
Protein change: p.Ser308Leu; replaces serine 308 with leucine.
Molecular consequence: missense variant.
Genome position (GRCh38, 1-based): chrX:154,969,417, G>A on the plus strand (C>T on the coding strand, the complement: F8 is on the minus strand). VCF-style: chrX-154969417-G-A. GRCh37 (hg19) VCF-style: chrX-154197692-G-A.
Other names: F8, SER289LEU; S289L; NM_000132.3(F8):c.923C>T; c.923C>T (NM_000132.3); short protein forms S308L.
Identifiers: ClinVar variation 10195 (VCV000010195.6), dbSNP rs137852404, ClinGen allele CA255082.